The following is an entry in ClinVar:

NM_006445.4(PRPF8):c.914G>T (p.Arg305Leu)

Gene: PRPF8 (pre-mRNA processing factor 8; minus strand). Cytogenetic location: 17p13.3.
Variant type: single nucleotide variant.
Coding change: c.914G>T on transcript NM_006445.4 (MANE Select); coding-DNA position 914, G replaced by T.
Protein change: p.Arg305Leu; replaces arginine 305 with leucine.
Molecular consequence: missense variant.
Genome position (GRCh38, 1-based): chr17:1,681,007, C>A on the plus strand (G>T on the coding strand, the complement: PRPF8 is on the minus strand). VCF-style: chr17-1681007-C-A. GRCh37 (hg19) VCF-style: chr17-1584301-C-A.
Other names: short protein forms R305L.
Identifiers: ClinVar variation 2628050 (VCV002628050.2), dbSNP rs2543780413, ClinGen allele CA397566179.

ClinVar aggregate classification (germline): Uncertain significance (1 of 4 stars; one submission).

Conditions:
Retinitis pigmentosa 13 (RP13). Also called: PRPF 8-Related Retinitis Pigmentosa. Identifiers: Orphanet 791, MedGen C1838702, MONDO:0010806, OMIM 600059.

Submission:

DBGen Ocular Genomics
Classification: Uncertain significance for Retinitis pigmentosa 13. Last evaluated: 2023-01-01. Review status: criteria provided, single submitter. Criteria: ACMG Guidelines, 2015. Collection method: clinical testing. Allele origin: unknown. Inheritance: Autosomal dominant inheritance. Affected: yes.
Comment: Class 3 ACMG Guidelines, 2015